The following is an entry in ClinVar:

ClinVar aggregate classification (germline): Uncertain significance (1 of 4 stars; one submission).

Submission:

GeneDx
Classification: Uncertain significance. Last evaluated: 2024-03-29. Review status: criteria provided, single submitter. Criteria: GeneDx Variant Classification Process June 2021. Collection method: clinical testing. Allele origin: germline. Affected: yes.
Comment: In silico analysis supports that this missense variant does not alter protein structure/function; Has not been previously published as pathogenic or benign to our knowledge

NM_004046.6(ATP5F1A):c.28G>A (p.Val10Met)

Genes: ATP5F1A (ATP synthase F1 subunit alpha; minus strand), LOC126862738 (BRD4-independent group 4 enhancer GRCh37_chr18:43677662-43678861; plus strand). Cytogenetic location: 18q21.1.
Variant type: single nucleotide variant.
Coding change: c.28G>A on transcript NM_004046.6 (MANE Select); coding-DNA position 28, G replaced by A.
Protein change: p.Val10Met; replaces valine 10 with methionine.
Molecular consequence: missense variant. On other transcripts: 5 prime UTR variant (2).
Genome position (GRCh38, 1-based): chr18:46,098,204, C>T on the plus strand (G>A on the coding strand, the complement: ATP5F1A is on the minus strand). VCF-style: chr18-46098204-C-T. GRCh37 (hg19) VCF-style: chr18-43678170-C-T.
Other names: c.-196G>A (NM_001001935.3); c.28G>A, p.Val10Met (NM_001001937.2, NM_001257334.2); c.-459G>A (NM_001257335.2); short protein forms V10M.
Identifiers: ClinVar variation 3371414 (VCV003371414.1).